The following is an entry in ClinVar:

ClinVar aggregate classification (germline): Uncertain significance (1 of 4 stars; one submission).

gnomAD v4.1: 1 of 1,614,104 alleles (0.000062%); highest among the groups gnomAD compares: Non-Finnish European, 0.000085%; no homozygotes.

Submission:

Labcorp Genetics (formerly Invitae), Labcorp
Classification: Uncertain significance. Last evaluated: 2022-07-19. Review status: criteria provided, single submitter. Criteria: Invitae Variant Classification Sherloc (09022015). Collection method: clinical testing. Allele origin: germline.
Comment: This sequence change replaces leucine, which is neutral and non-polar, with proline, which is neutral and non-polar, at codon 878 of the UNC45A protein (p.Leu878Pro). In summary, the available evidence is currently insufficient to determine the role of this variant in disease. Therefore, it has been classified as a Variant of Uncertain Significance. Algorithms developed to predict the effect of missense changes on protein structure and function are either unavailable or do not agree on the potential impact of this missense change (SIFT: "Not Available"; PolyPhen-2: "Probably Damaging"; Align-GVGD: "Not Available"). This variant has not been reported in the literature in individuals affected with UNC45A-related conditions. This variant is not present in population databases (gnomAD no frequency).

NM_018671.5(UNC45A):c.2633T>C (p.Leu878Pro)

Genes: RCCD1-AS1 (RCCD1 and UNC45A antisense RNA 1; minus strand), UNC45A (unc-45 myosin chaperone A; plus strand). Cytogenetic location: 15q26.1.
Variant type: single nucleotide variant.
Coding change: c.2633T>C on transcript NM_018671.5 (MANE Select); coding-DNA position 2633, T replaced by C.
Protein change: p.Leu878Pro; replaces leucine 878 with proline.
Molecular consequence: missense variant.
Genome position (GRCh38, 1-based): chr15:90,953,514, T>C. VCF-style: chr15-90953514-T-C. GRCh37 (hg19) VCF-style: chr15-91496744-T-C.
Other names: c.2588T>C, p.Leu863Pro (NM_001039675.2, NM_001323621.2); c.2633T>C, p.Leu878Pro (NM_001323619.1); c.2198T>C, p.Leu733Pro (NM_001323620.2); short protein forms L863P, L878P, L733P.
Identifiers: ClinVar variation 2050657 (VCV002050657.3), dbSNP rs2543188409, ClinGen allele CA393863017.